The following is an entry in ClinVar:

ClinVar aggregate classification (germline): Uncertain significance. Review status: criteria provided, multiple submitters, no conflicts (2 of 4 stars). 2 submissions from 2 submitters: Uncertain significance (2). Last evaluated 2025-10-17.

Conditions:
Dystonic disorder. Also called: Dystonia. Identifiers: MedGen C0013421, MONDO:0003441, HP:0001332.

gnomAD v4.1: 41 of 1,614,134 alleles (0.0025%); highest among the groups gnomAD compares: Non-Finnish European, 0.0029%; no homozygotes.

Submissions (2):

Labcorp Genetics (formerly Invitae), Labcorp
Classification: Uncertain significance for Dystonic disorder. Last evaluated: 2025-10-17. Review status: criteria provided, single submitter. Criteria: Invitae Variant Classification Sherloc (09022015). Collection method: clinical testing. Allele origin: germline.
Comment: This sequence change replaces glycine, which is neutral and non-polar, with alanine, which is neutral and non-polar, at codon 525 of the CIZ1 protein (p.Gly525Ala). This variant is present in population databases (rs555555042, gnomAD 0.008%). This variant has not been reported in the literature in individuals affected with CIZ1-related conditions. ClinVar contains an entry for this variant (Variation ID: 3623240). An algorithm developed to predict the effect of missense changes on protein structure and function (PolyPhen-2) suggests that this variant is likely to be disruptive. In summary, the available evidence is currently insufficient to determine the role of this variant in disease. Therefore, it has been classified as a Variant of Uncertain Significance.

Ambry Genetics
Classification: Uncertain significance. Last evaluated: 2025-01-23. Review status: criteria provided, single submitter. Criteria: Ambry Variant Classification Scheme 2023. Collection method: clinical testing. Allele origin: germline.

NM_001131016.2(CIZ1):c.1574G>C (p.Gly525Ala)

Gene: CIZ1 (CDKN1A interacting zinc finger protein 1; minus strand). Cytogenetic location: 9q34.11.
Variant type: single nucleotide variant.
Coding change: c.1574G>C on transcript NM_001131016.2 (MANE Select); coding-DNA position 1574, G replaced by C.
Protein change: p.Gly525Ala; replaces glycine 525 with alanine.
Molecular consequence: missense variant.
Genome position (GRCh38, 1-based): chr9:128,178,415, C>G on the plus strand (G>C on the coding strand, the complement: CIZ1 is on the minus strand). VCF-style: chr9-128178415-C-G. GRCh37 (hg19) VCF-style: chr9-130940694-C-G.
Other names: c.1574G>C (NM_012127.2); c.1271G>C, p.Gly424Ala (NM_001257976.2); c.1574G>C, p.Gly525Ala (NM_012127.3); c.1406G>C, p.Gly469Ala (NM_001131015.2); c.1391G>C, p.Gly464Ala (NM_001131017.2); c.1334G>C, p.Gly445Ala (NM_001131018.2); c.1664G>C, p.Gly555Ala (NM_001257975.2); short protein forms G424A, G445A, G464A, G469A, G525A, G555A.
Identifiers: ClinVar variation 3623240 (VCV003623240.3).